The following is an entry in ClinVar:

ClinVar aggregate classification (germline): Uncertain significance (1 of 4 stars; one submission).

Conditions:
Nephronophthisis. Also called: Juvenile Nephronophthisis. Identifiers: Orphanet 655, MedGen C0687120, MONDO:0019005, HP:0000090.

Submission:

Labcorp Genetics (formerly Invitae), Labcorp
Classification: Uncertain significance for Nephronophthisis. Last evaluated: 2024-02-24. Review status: criteria provided, single submitter. Criteria: Invitae Variant Classification Sherloc (09022015). Collection method: clinical testing. Allele origin: germline.
Comment: This sequence change replaces valine, which is neutral and non-polar, with isoleucine, which is neutral and non-polar, at codon 348 of the GLIS2 protein (p.Val348Ile). This variant is not present in population databases (gnomAD no frequency). This variant has not been reported in the literature in individuals affected with GLIS2-related conditions. ClinVar contains an entry for this variant (Variation ID: 2099035). An algorithm developed to predict the effect of missense changes on protein structure and function (PolyPhen-2) suggests that this variant is likely to be tolerated. In summary, the available evidence is currently insufficient to determine the role of this variant in disease. Therefore, it has been classified as a Variant of Uncertain Significance.

NM_032575.3(GLIS2):c.1042G>A (p.Val348Ile)

Gene: GLIS2 (GLIS family zinc finger 2; plus strand). Cytogenetic location: 16p13.3.
Variant type: single nucleotide variant.
Coding change: c.1042G>A on transcript NM_032575.3 (MANE Select); coding-DNA position 1042, G replaced by A.
Protein change: p.Val348Ile; replaces valine 348 with isoleucine.
Molecular consequence: missense variant.
Genome position (GRCh38, 1-based): chr16:4,336,991, G>A. VCF-style: chr16-4336991-G-A. GRCh37 (hg19) VCF-style: chr16-4386992-G-A.
Other names: c.1042G>A, p.Val348Ile (NM_001318918.2); short protein forms V348I.
Identifiers: ClinVar variation 2099035 (VCV002099035.4), dbSNP rs2505615490, ClinGen allele CA394599292.